The following is an entry in ClinVar:

ClinVar aggregate classification (germline): Uncertain significance. Review status: criteria provided, multiple submitters, no conflicts (2 of 4 stars). 9 submissions from 9 submitters: Uncertain significance (9). Last evaluated 2026-01-06.

Conditions:
Gastrointestinal stromal tumor. Also called: Gastrointestinal stromal tumor, somatic; Gastrointestinal stroma tumor. Identifiers: Orphanet 44890, MedGen C0238198, MeSH D046152, MONDO:0011719, OMIM 606764, HP:0100723.
Pheochromocytoma/paraganglioma syndrome 3. Also called: SDHC-Related Hereditary Paraganglioma-Pheochromocytoma Syndrome; Paragangliomas 3; GLOMUS TUMORS, FAMILIAL, 3; SDHC-Related Hereditary Paraganglioma-Pheochromocytoma Syndrome (Paragangliomas 3). Identifiers: Orphanet 29072, MedGen C1854336, MONDO:0011544, OMIM 605373.
Hereditary cancer-predisposing syndrome. Also called: Tumor predisposition; Neoplastic Syndromes, Hereditary; Hereditary Cancer Syndrome; Hereditary neoplastic syndrome. Identifiers: Orphanet 140162, MedGen C0027672, MeSH D009386, MONDO:0015356.
Hereditary pheochromocytoma and paraganglioma. Also called: Hereditary Paraganglioma-Pheochromocytoma Syndromes; Hereditary paragangliomas and pheochromocytomas; Hereditary pheochromocytoma-paraganglioma. Identifiers: Orphanet 29072, MedGen C4274332, MONDO:0017366.

Allele frequency attached by ClinVar (database versions not stated): TOPMed 0.00005.
gnomAD v4.1: 79 of 1,613,378 alleles (0.0049%); highest among the groups gnomAD compares: Non-Finnish European, 0.0061%; no homozygotes.

Submissions (9):

Labcorp Genetics (formerly Invitae), Labcorp
Classification: Uncertain significance for Pheochromocytoma/paraganglioma syndrome 3; Gastrointestinal stromal tumor. Last evaluated: 2026-01-06. Review status: criteria provided, single submitter. Criteria: Invitae Variant Classification Sherloc (09022015). Collection method: clinical testing. Allele origin: germline.
Comment: This sequence change replaces arginine, which is basic and polar, with leucine, which is neutral and non-polar, at codon 11 of the SDHC protein (p.Arg11Leu). This variant is present in population databases (rs767802663, gnomAD 0.004%). This variant has not been reported in the literature in individuals affected with SDHC-related conditions. ClinVar contains an entry for this variant (Variation ID: 187333). An algorithm developed to predict the effect of missense changes on protein structure and function (PolyPhen-2) suggests that this variant is likely to be tolerated. In summary, the available evidence is currently insufficient to determine the role of this variant in disease. Therefore, it has been classified as a Variant of Uncertain Significance.

GeneDx
Classification: Uncertain significance. Last evaluated: 2025-07-09. Review status: criteria provided, single submitter. Criteria: GeneDx Variant Classification Process June 2021. Collection method: clinical testing. Allele origin: germline. Affected: yes.
Comment: Not observed at significant frequency in large population cohorts (gnomAD); In silico analysis supports that this missense variant has a deleterious effect on protein structure/function; Observed in a patient with breast cancer (PMID: 38473309); This variant is associated with the following publications: (PMID: 30877234, 38473309)

Dasa
Classification: Uncertain significance. Last evaluated: 2025-05-06. Review status: criteria provided, single submitter. Criteria: DASA Assertion Criteria. Collection method: clinical testing. Allele origin: germline.
Comment: NM_003001.5(SDHC):c.32G>T (p.Arg11Leu) is a missense variant that results in the substitution of arginine with leucine. This variant is rare in population databases. Computational prediction algorithms are consistent with a deleterious effect. The currently available literature and clinical evidence are not sufficient to establish a definitive association between this variant and the reported condition. Therefore, this variant is classified as a variant of uncertain significance.

Ambry Genetics
Classification: Uncertain significance for Hereditary cancer-predisposing syndrome. Last evaluated: 2025-01-23. Review status: criteria provided, single submitter. Criteria: Ambry Variant Classification Scheme 2023. Collection method: clinical testing. Allele origin: germline.
Comment: The p.R11L variant (also known as c.32G>T), located in coding exon 2 of the SDHC gene, results from a G to T substitution at nucleotide position 32. The arginine at codon 11 is replaced by leucine, an amino acid with dissimilar properties. This amino acid position is well conserved in available vertebrate species. In addition, this alteration is predicted to be deleterious by in silico analysis. Since supporting evidence is limited at this time, the clinical significance of this alteration remains unclear.

Quest Diagnostics Nichols Institute San Juan Capistrano
Classification: Uncertain significance. Last evaluated: 2024-09-13. Review status: criteria provided, single submitter. Criteria: Quest Diagnostics criteria. Collection method: clinical testing. Allele origin: unknown.
Comment: The SDHC c.32G>T (p.Arg11Leu) variant has not been reported in individuals with SDHC-related conditions in the published literature. The frequency of this variant in the general population, 0.000045 (5/111328 chromosomes (Genome Aggregation Database)), is uninformative in the assessment of its pathogenicity. Analysis of this variant using bioinformatics tools for the prediction of the effect of amino acid changes on protein structure and function yielded predictions that this variant is benign. Based on the available information, we are unable to determine the clinical significance of this variant.

All of Us Research Program, National Institutes of Health
Classification: Uncertain significance for Hereditary pheochromocytoma and paraganglioma. Last evaluated: 2024-09-02. Review status: criteria provided, single submitter. Criteria: ACMG Guidelines, 2015. Collection method: clinical testing. Allele origin: germline. Inheritance: Autosomal dominant inheritance. Observed: 7 variant alleles, 7 heterozygotes.
Comment: This missense variant replaces arginine with leucine at codon 11 of the SDHC protein. Computational prediction suggests that this variant may have deleterious impact on protein structure and function (internally defined REVEL score threshold >= 0.7, PMID: 27666373). To our knowledge, functional studies have not been reported for this variant. This variant has not been reported in individuals affected with SDHC-related disorders in the literature. This variant has been identified in 6/248946 chromosomes in the general population by the Genome Aggregation Database (gnomAD). The available evidence is insufficient to determine the role of this variant in disease conclusively. Therefore, this variant is classified as a Variant of Uncertain Significance.

This study involves interpretation of variants in research participants for the purpose of population health screening. Participant phenotype was not available at the time of variant classification. Additional details can be found in publication PMID: 35346344, PMCID: PMC8962531

Color Diagnostics, LLC DBA Color Health
Classification: Uncertain significance for Hereditary pheochromocytoma and paraganglioma. Last evaluated: 2024-01-30. Review status: criteria provided, single submitter. Criteria: ACMG Guidelines, 2015. Collection method: clinical testing. Allele origin: germline.
Comment: This missense variant replaces arginine with leucine at codon 11 of the SDHC protein. Computational prediction suggests that this variant may have deleterious impact on protein structure and function. To our knowledge, functional studies have not been reported for this variant. This variant has not been reported in individuals affected with SDHC-related disorders in the literature. This variant has been identified in 6/248946 chromosomes in the general population by the Genome Aggregation Database (gnomAD). The available evidence is insufficient to determine the role of this variant in disease conclusively. Therefore, this variant is classified as a Variant of Uncertain Significance.

Baylor Genetics
Classification: Uncertain significance for Gastrointestinal stromal tumor. Last evaluated: 2023-10-10. Review status: criteria provided, single submitter. Criteria: ACMG Guidelines, 2015. Collection method: clinical testing. Allele origin: unknown.

Sema4
Classification: Uncertain significance for Hereditary cancer-predisposing syndrome. Last evaluated: 2021-07-04. Review status: criteria provided, single submitter. Criteria: Sema4 Curation Guidelines. Collection method: curation. Allele origin: germline.
Comment: The SDHC c.32G>T (p.R11L) variant has not been reported in the literature to our knowledge. It was observed in 5/111328 chromosomes of the Non-Finnish European subpopulation in the large and broad cohorts of the Genome Aggregation Database (PMID: 32461654). The variant has been reported in ClinVar (Variation ID 187333). In silico tools suggest the impact of the variant on protein function is deleterious, though these predictions have not been confirmed by functional studies. The evidence is insufficient to meet ACMG/AMP criteria for classifying the variant as benign or pathogenic. Thus, the clinical significance of this variant is currently uncertain.

NM_003001.5(SDHC):c.32G>T (p.Arg11Leu)

Gene: SDHC (succinate dehydrogenase complex subunit C; plus strand). Cytogenetic location: 1q23.3.
Variant type: single nucleotide variant.
Coding change: c.32G>T on transcript NM_003001.5 (MANE Select); coding-DNA position 32, G replaced by T.
Protein change: p.Arg11Leu; replaces arginine 11 with leucine.
Molecular consequence: missense variant. On other transcripts: 5 prime UTR variant (2), non-coding transcript variant (1), intron variant (4).
Genome position (GRCh38, 1-based): chr1:161,323,625, G>T. VCF-style: chr1-161323625-G-T. GRCh37 (hg19) VCF-style: chr1-161293415-G-T.
Other names: c.32G>T, p.Arg11Leu (NM_001035511.3, NM_001035512.3, NM_001278172.3 and 2 more transcripts); c.-80G>T (NM_001407119.1); c.-198G>T (NM_001407120.1); c.21-4771G>T (NM_001407116.1, NM_001407121.1, NM_001407117.1); c.20+9200G>T (NM_001035513.3); short protein forms R11L.
Identifiers: ClinVar variation 187333 (VCV000187333.29), dbSNP rs767802663, ClinGen allele CA011533.